The following is an entry in ClinVar:

NM_001164665.2(KIAA1549):c.3451A>G (p.Ile1151Val)

Gene: KIAA1549 (KIAA1549; minus strand). Cytogenetic location: 7q34.
Variant type: single nucleotide variant.
Coding change: c.3451A>G on transcript NM_001164665.2 (MANE Select); coding-DNA position 3451, A replaced by G.
Protein change: p.Ile1151Val; replaces isoleucine 1151 with valine.
Molecular consequence: missense variant.
Genome position (GRCh38, 1-based): chr7:138,906,928, T>C on the plus strand (A>G on the coding strand, the complement: KIAA1549 is on the minus strand). VCF-style: chr7-138906928-T-C. GRCh37 (hg19) VCF-style: chr7-138591674-T-C.
Other names: c.3451A>G, p.Ile1151Val (NM_020910.3); short protein forms I1151V.
Identifiers: ClinVar variation 1926034 (VCV001926034.6), dbSNP rs375115953, ClinGen allele CA167158947.
Genomic context (GRCh38, chr7:138,906,928, plus strand): 5'-CAAAAATGCCCGCCATCACCTCCCCAGCATGTCCAAGAGGGCTGTACTCACGCTCTGCGA[T>C]CTGCAGCACTGGGTATCCCAGATAGAAACTGAACTCCACCACACTCAAGTTTCTGAGCAG-3'
Protein context (NP_001158137.1, residues 1141-1161): SFYLGYPVLQ[Ile1151Val]AEPFQYPQLN

ClinVar aggregate classification (germline): Uncertain significance. Review status: criteria provided, multiple submitters, no conflicts (2 of 4 stars). 2 submissions from 2 submitters: Uncertain significance (2). Last evaluated 2022-07-11.

Allele frequency attached by ClinVar (database versions not stated): TOPMed 0.00002; gnomAD 0.00003; ESP Exome Variant Server 0.00008.
gnomAD v4.1: 13 of 1,595,976 alleles (0.00081%); highest among the groups gnomAD compares: African/African-American, 0.0027%; no homozygotes.

Submissions (2):

Blueprint Genetics
Classification: Uncertain significance. Last evaluated: 2022-07-11. Review status: criteria provided, single submitter. Criteria: ACMG Guidelines, 2015. Collection method: clinical testing. Allele origin: germline.

Labcorp Genetics (formerly Invitae), Labcorp
Classification: Uncertain significance. Last evaluated: 2022-06-12. Review status: criteria provided, single submitter. Criteria: Invitae Variant Classification Sherloc (09022015). Collection method: clinical testing. Allele origin: germline.
Comment: Algorithms developed to predict the effect of missense changes on protein structure and function output the following: SIFT: "Deleterious"; PolyPhen-2: "Benign"; Align-GVGD: "Class C0". The valine amino acid residue is found in multiple mammalian species, which suggests that this missense change does not adversely affect protein function. This variant has not been reported in the literature in individuals affected with KIAA1549-related conditions. This variant is present in population databases (rs375115953, gnomAD 0.004%). This sequence change replaces isoleucine, which is neutral and non-polar, with valine, which is neutral and non-polar, at codon 1151 of the KIAA1549 protein (p.Ile1151Val). In summary, the available evidence is currently insufficient to determine the role of this variant in disease. Therefore, it has been classified as a Variant of Uncertain Significance.